The following is an entry in ClinVar:

NM_006642.5(SDCCAG8):c.329C>A (p.Thr110Asn)

Gene: SDCCAG8 (SHH signaling and ciliogenesis regulator SDCCAG8; plus strand). Cytogenetic location: 1q43.
Variant type: single nucleotide variant.
Coding change: c.329C>A on transcript NM_006642.5 (MANE Select); coding-DNA position 329, C replaced by A.
Protein change: p.Thr110Asn; replaces threonine 110 with asparagine.
Molecular consequence: missense variant. On other transcripts: 5 prime UTR variant (3).
Genome position (GRCh38, 1-based): chr1:243,274,565, C>A. VCF-style: chr1-243274565-C-A. GRCh37 (hg19) VCF-style: chr1-243437867-C-A.
Other names: c.-784C>A (NM_001350246.2); c.-672C>A (NM_001350247.2); c.329C>A, p.Thr110Asn (NM_001350248.2); c.35C>A, p.Thr12Asn (NM_001350249.2); c.-1045C>A (NM_001350251.2); short protein forms T110N, T12N.
Identifiers: ClinVar variation 3351388 (VCV003351388.1).

ClinVar aggregate classification (germline): Uncertain significance (0 of 4 stars; one submission).

Conditions:
SDCCAG8-related disorder. Also called: SDCCAG8-Related Disorders; SDCCAG8-related condition.

Submission:

PreventionGenetics, part of Exact Sciences
Classification: Uncertain significance for SDCCAG8-related condition. Last evaluated: 2024-07-05. Review status: no assertion criteria provided. Collection method: clinical testing. Allele origin: germline.
Comment: The SDCCAG8 c.329C>A variant is predicted to result in the amino acid substitution p.Thr110Asn. To our knowledge, this variant has not been reported in the literature. This variant is reported in 0.00088% of alleles in individuals of European (Non-Finnish) descent in gnomAD. At this time, the clinical significance of this variant is uncertain due to the absence of conclusive functional and genetic evidence.